The following is an entry in ClinVar:

ClinVar aggregate classification (germline): Uncertain significance. Review status: criteria provided, multiple submitters, no conflicts (2 of 4 stars). 3 submissions from 3 submitters: Uncertain significance (3). Last evaluated 2025-07-24.

Conditions:
Cardiovascular phenotype. Identifiers: MedGen CN230736.
Long QT syndrome (LQTS). Identifiers: MedGen C0023976, MeSH D008133, MONDO:0002442. Disease mechanism: loss of function. Inheritance: Various modes of inheritance.

Submissions (3):

Molecular Diagnostic Laboratory for Inherited Cardiovascular Disease, Montreal Heart Institute
Classification: Uncertain significance for Cardiovascular phenotype. Last evaluated: 2025-07-24. Review status: criteria provided, single submitter. Criteria: ACMG Guidelines, 2015. Collection method: clinical testing. Allele origin: germline. Affected: yes.
Comment: PM2, BP3

Ambry Genetics
Classification: Uncertain significance for Cardiovascular phenotype. Last evaluated: 2023-12-08. Review status: criteria provided, single submitter. Criteria: Ambry Variant Classification Scheme 2023. Collection method: clinical testing. Allele origin: germline.
Comment: The c.192_200dupTGCGTCCCC variant (also known as p.S66_A68dup), located in coding exon 1 of the KCNQ1 gene, results from an in-frame duplication of TGCGTCCCC at nucleotide positions 192 to 200. This results in the duplication of 3 extra residues (SPA) between codons 66 and 68. This amino acid region is not well conserved in available vertebrate species. In addition, this alteration is predicted to be neutral by in silico analysis (Choi Y et al. PLoS ONE. 2012; 7(10):e46688). Since supporting evidence is limited at this time, the clinical significance of this alteration remains unclear.

Labcorp Genetics (formerly Invitae), Labcorp
Classification: Uncertain significance for Long QT syndrome. Last evaluated: 2022-08-09. Review status: criteria provided, single submitter. Criteria: Invitae Variant Classification Sherloc (09022015). Collection method: clinical testing. Allele origin: germline.
Comment: In summary, the available evidence is currently insufficient to determine the role of this variant in disease. Therefore, it has been classified as a Variant of Uncertain Significance. Experimental studies and prediction algorithms are not available or were not evaluated, and the functional significance of this variant is currently unknown. ClinVar contains an entry for this variant (Variation ID: 576506). This variant has not been reported in the literature in individuals affected with KCNQ1-related conditions. This variant is not present in population databases (gnomAD no frequency). This variant, c.192_200dup, results in the insertion of 3 amino acid(s) of the KCNQ1 protein (p.Ser66_Ala68dup), but otherwise preserves the integrity of the reading frame.

NM_000218.3(KCNQ1):c.192_200dup (p.Ser66_Ala68dup)

Gene: KCNQ1 (potassium voltage-gated channel subfamily Q member 1; plus strand). Cytogenetic location: 11p15.5.
Variant type: Duplication.
Coding change: c.192_200dup on transcript NM_000218.3 (MANE Select); coding-DNA positions 192 to 200, 9 bases duplicated (TGCGTCCCC; older notation c.192_200dupTGCGTCCCC).
Protein change: p.Ser66_Ala68dup.
Molecular consequence: inframe insertion.
Genome position (GRCh38, 1-based): chr11:2,445,290-2,445,298, TGCGTCCCC duplicated; duplicating any 9 consecutive bases within chr11:2,445,286-2,445,298 gives the same sequence; the c. name uses the placement nearest the transcript's 3' end. VCF-style (leftmost placement, unchanged base first): chr11-2445285-C-CCCCCTGCGT. GRCh37 (hg19) VCF-style: chr11-2466515-C-CCCCCTGCGT.
Other names: c.192_200dupTGCGTCCCC (NM_000218.2); c.192_200dup (NM_000218.2).
Identifiers: ClinVar variation 576506 (VCV000576506.11), dbSNP rs750499842, ClinGen allele CA033444.